The following is an entry in ClinVar:

NM_001735.3(C5):c.2033C>T (p.Thr678Met)

Gene: C5 (complement C5; minus strand). Cytogenetic location: 9q33.2.
Variant type: single nucleotide variant.
Coding change: c.2033C>T on transcript NM_001735.3 (MANE Select); coding-DNA position 2033, C replaced by T.
Protein change: p.Thr678Met; replaces threonine 678 with methionine.
Molecular consequence: missense variant.
Genome position (GRCh38, 1-based): chr9:121,015,225, G>A on the plus strand (C>T on the coding strand, the complement: C5 is on the minus strand). VCF-style: chr9-121015225-G-A. GRCh37 (hg19) VCF-style: chr9-123777503-G-A.
Other names: c.2051C>T, p.Thr684Met (NM_001317163.2); c.2033C>T, p.Thr678Met (NM_001317164.2); c.2033C>T (NM_001735.2); short protein forms T678M, T684M.
Identifiers: ClinVar variation 1000584 (VCV001000584.7), dbSNP rs138509814, ClinGen allele CA5217896.

ClinVar aggregate classification (germline): Conflicting classifications of pathogenicity. Review status: criteria provided, conflicting classifications (1 of 4 stars). 3 submissions from 3 submitters: Uncertain significance (2); Likely benign (1). Last evaluated 2023-12-07.

Conditions:
Complement component 5 deficiency. Also called: C5 DEFICIENCY. Identifiers: MedGen C0343047, MONDO:0012295, OMIM 609536.
Eculizumab, poor response to. Identifiers: MedGen C3810402, OMIM 615749.

Allele frequency attached by ClinVar (database versions not stated): gnomAD 0.00006 and 0.00009; gnomAD exomes 0.00007; ESP Exome Variant Server 0.00008; ExAC 0.00009; TOPMed 0.00009; 1000 Genomes Project 30x 0.00016; 1000 Genomes Project 0.00020.
gnomAD v4.1: 122 of 1,606,432 alleles (0.0076%); highest among the groups gnomAD compares: Middle Eastern, 0.033%; no homozygotes.

Submissions (3):

Labcorp Genetics (formerly Invitae), Labcorp
Classification: Uncertain significance. Last evaluated: 2023-12-07. Review status: criteria provided, single submitter. Criteria: Invitae Variant Classification Sherloc (09022015). Collection method: clinical testing. Allele origin: germline.
Comment: This sequence change replaces threonine, which is neutral and polar, with methionine, which is neutral and non-polar, at codon 678 of the C5 protein (p.Thr678Met). This variant is present in population databases (rs138509814, gnomAD 0.01%). This variant has not been reported in the literature in individuals affected with C5-related conditions. ClinVar contains an entry for this variant (Variation ID: 1000584). Advanced modeling of protein sequence and biophysical properties (such as structural, functional, and spatial information, amino acid conservation, physicochemical variation, residue mobility, and thermodynamic stability) performed at Invitae indicates that this missense variant is expected to disrupt C5 protein function with a positive predictive value of 80%. In summary, the available evidence is currently insufficient to determine the role of this variant in disease. Therefore, it has been classified as a Variant of Uncertain Significance.

Ambry Genetics
Classification: Likely benign. Last evaluated: 2023-03-24. Review status: criteria provided, single submitter. Criteria: Ambry Variant Classification Scheme 2023. Collection method: clinical testing. Allele origin: germline.

Fulgent Genetics
Classification: Uncertain significance for Complement component 5 deficiency; Eculizumab, poor response to. Last evaluated: 2022-01-10. Review status: criteria provided, single submitter. Criteria: ACMG Guidelines, 2015. Collection method: clinical testing. Allele origin: unknown.